The following is an entry in ClinVar:

NM_001310135.5(TTC6):c.5583T>C (p.Gly1861=)

Gene: TTC6 (tetratricopeptide repeat domain 6; plus strand). Cytogenetic location: 14q21.1.
Variant type: single nucleotide variant.
Coding change: c.5583T>C on transcript NM_001310135.5 (MANE Select); coding-DNA position 5583, T replaced by C.
Protein change: p.Gly1861=; no amino-acid change (glycine 1861 retained).
Molecular consequence: synonymous variant.
Genome position (GRCh38, 1-based): chr14:37,842,213, T>C. VCF-style: chr14-37842213-T-C. GRCh37 (hg19) VCF-style: chr14-38311418-T-C.
Other names: c.1485T>C, p.Gly495= (NM_001368142.2).
Identifiers: ClinVar variation 2644188 (VCV002644188.24), dbSNP rs571055460, ClinGen allele CA7161017.
Genomic context (GRCh38, chr14:37,842,213, plus strand): 5'-AGCCCTGTCTTTGAAGCCTAATGATGCTCTAGTATATAATTTTAGAGCAAAAGTTCGTGG[T>C]AAAATAGGTCTGATTGAGGAAGCTATGGCTGACTATAACCAAGCACTTGATCTTGAAGAC-3'
Protein context (NP_001297064.2, residues 1851-1871): LVYNFRAKVR[Gly1861=]KIGLIEEAMA

ClinVar aggregate classification (germline): Likely benign (1 of 4 stars; one submission).

Allele frequency attached by ClinVar (database versions not stated): TOPMed 0.00006; gnomAD 0.00009; 1000 Genomes Project 30x 0.00016; gnomAD exomes 0.00017; 1000 Genomes Project 0.00020; ExAC 0.00024.
gnomAD v4.1: 265 of 1,609,674 alleles (0.016%); highest among the groups gnomAD compares: South Asian, 0.18%; 1 homozygote.

Submission:

CeGaT Center for Human Genetics Tuebingen
Classification: Likely benign. Last evaluated: 2022-05-01. Review status: criteria provided, single submitter. Criteria: CeGaT Center For Human Genetics Tuebingen Variant Classification Criteria Version 2. Collection method: clinical testing. Allele origin: germline. Affected: yes. Observed: 1 variant allele.
Comment: TTC6: BP4, BP7